The following is an entry in ClinVar:

ClinVar aggregate classification (germline): Uncertain significance (1 of 4 stars; one submission).

Conditions:
Hereditary cancer-predisposing syndrome. Also called: Neoplastic Syndromes, Hereditary; Tumor predisposition; Hereditary neoplastic syndrome; Hereditary Cancer Syndrome. Identifiers: Orphanet 140162, MedGen C0027672, MeSH D009386, MONDO:0015356.

Submission:

Ambry Genetics
Classification: Uncertain significance for Hereditary cancer-predisposing syndrome. Last evaluated: 2026-07-07. Review status: criteria provided, single submitter. Criteria: Ambry Variant Classification Scheme 2023. Collection method: clinical testing. Allele origin: germline.
Comment: The p.L70P variant (also known as c.209T>C), located in coding exon 1 of the PHOX2B gene, results from a T to C substitution at nucleotide position 209. The leucine at codon 70 is replaced by proline, an amino acid with similar properties. This amino acid position is conserved. In addition, this alteration is predicted to be deleterious by in silico analysis. Based on the available evidence, the clinical significance of this variant remains unclear.

NM_003924.4(PHOX2B):c.209T>C (p.Leu70Pro)

Genes: PHOX2B (paired like homeobox 2B; minus strand), PHOX2B-AS1 (PHOX2B antisense RNA 1; plus strand). Cytogenetic location: 4p13.
Variant type: single nucleotide variant.
Coding change: c.209T>C on transcript NM_003924.4 (MANE Select); coding-DNA position 209, T replaced by C.
Protein change: p.Leu70Pro; replaces leucine 70 with proline.
Molecular consequence: missense variant. On other transcripts: non-coding transcript variant (1).
Genome position (GRCh38, 1-based): chr4:41,748,402, A>G on the plus strand (T>C on the coding strand, the complement: PHOX2B is on the minus strand). VCF-style: chr4-41748402-A-G. GRCh37 (hg19) VCF-style: chr4-41750419-A-G.
Other names: short protein forms L70P.
Identifiers: ClinVar variation 5026609 (VCV005026609.1).